The following is an entry in ClinVar:

ClinVar aggregate classification (germline): Uncertain significance (1 of 4 stars; one submission).

Submission:

GeneDx
Classification: Uncertain significance. Last evaluated: 2026-03-30. Review status: criteria provided, single submitter. Criteria: GeneDx Variant Classification Process June 2021. Collection method: clinical testing. Allele origin: germline.
Comment: Not observed at significant frequency in large population cohorts (gnomAD); In silico analysis supports that this missense variant has a deleterious effect on protein structure/function; Has not been previously published as pathogenic or benign to our knowledge

NM_001173464.2(KIF21A):c.2395A>G (p.Lys799Glu)

Gene: KIF21A (kinesin family member 21A; minus strand). Cytogenetic location: 12q12.
Variant type: single nucleotide variant.
Coding change: c.2395A>G on transcript NM_001173464.2 (MANE Select); coding-DNA position 2395, A replaced by G.
Protein change: p.Lys799Glu; replaces lysine 799 with glutamic acid.
Molecular consequence: missense variant.
Genome position (GRCh38, 1-based): chr12:39,337,119, T>C on the plus strand (A>G on the coding strand, the complement: KIF21A is on the minus strand). VCF-style: chr12-39337119-T-C. GRCh37 (hg19) VCF-style: chr12-39730921-T-C.
Other names: c.2356A>G, p.Lys786Glu (NM_001173463.2, NM_001173465.2, NM_001378441.1 and 1 more transcripts); c.2395A>G, p.Lys799Glu (NM_001378439.1, NM_001378440.1); short protein forms K786E, K799E.
Identifiers: ClinVar variation 5017982 (VCV005017982.1).
Genomic context (GRCh38, chr12:39,337,119, plus strand): 5'-AATTTTCTTATATAACTGAGAGTTAAAATCCACTTACATCTCTTTTACGTTGATCCTTTT[T>C]CAACTGAGCAATCTCTCTGTTTCTTCTAGACTCAGTCAGTCTGGCTTTCTCTTGTTCTTC-3'
Protein context (NP_001166935.1, residues 789-809): SRRNREIAQL[Lys799Glu]KDQRKRDHQL